The following is an entry in ClinVar:

NM_001330078.2(NRXN1):c.2554A>G (p.Ile852Val)

Gene: NRXN1 (neurexin 1; minus strand). Cytogenetic location: 2p16.3.
Variant type: single nucleotide variant.
Coding change: c.2554A>G on transcript NM_001330078.2 (MANE Select); coding-DNA position 2554, A replaced by G.
Protein change: p.Ile852Val; replaces isoleucine 852 with valine.
Molecular consequence: missense variant.
Genome position (GRCh38, 1-based): chr2:50,497,658, T>C on the plus strand (A>G on the coding strand, the complement: NRXN1 is on the minus strand). VCF-style: chr2-50497658-T-C. GRCh37 (hg19) VCF-style: chr2-50724796-T-C.
Other names: c.2674A>G, p.Ile892Val (NM_001135659.3); c.2530A>G, p.Ile844Val (NM_001330077.2, NM_001330082.2); c.2488A>G, p.Ile830Val (NM_001330083.2, NM_001330084.2); c.2527A>G, p.Ile843Val (NM_001330085.2); c.2554A>G, p.Ile852Val (NM_001330086.2, NM_004801.6); c.2443A>G, p.Ile815Val (NM_001330087.2, NM_001330096.2); c.2473A>G, p.Ile825Val (NM_001330088.2); c.2551A>G, p.Ile851Val (NM_001330093.2); and 2 more; short protein forms I830V, I848V, I851V, I852V, I892V, I843V, I815V, I825V.
Identifiers: ClinVar variation 2826174 (VCV002826174.3), dbSNP rs2468916252, ClinGen allele CA346777384.

ClinVar aggregate classification (germline): Uncertain significance (1 of 4 stars; one submission).

Conditions:
Pitt-Hopkins-like syndrome 2 (PTHSL2). Identifiers: Orphanet 221150, Orphanet 600663, MedGen C3280479, MONDO:0013690, OMIM 614325.

Allele frequency attached by ClinVar (database versions not stated): gnomAD exomes below 0.00001.
gnomAD v4.1: 1 of 1,613,920 alleles (0.000062%); highest among the groups gnomAD compares: Non-Finnish European, 0.000085%; no homozygotes.

Submission:

Labcorp Genetics (formerly Invitae), Labcorp
Classification: Uncertain significance for Pitt-Hopkins-like syndrome 2. Last evaluated: 2023-01-04. Review status: criteria provided, single submitter. Criteria: Invitae Variant Classification Sherloc (09022015). Collection method: clinical testing. Allele origin: germline.
Comment: In summary, the available evidence is currently insufficient to determine the role of this variant in disease. Therefore, it has been classified as a Variant of Uncertain Significance. Algorithms developed to predict the effect of missense changes on protein structure and function (SIFT, PolyPhen-2, Align-GVGD) all suggest that this variant is likely to be tolerated. This variant has not been reported in the literature in individuals affected with NRXN1-related conditions. This variant is not present in population databases (gnomAD no frequency). This sequence change replaces isoleucine, which is neutral and non-polar, with valine, which is neutral and non-polar, at codon 892 of the NRXN1 protein (p.Ile892Val).